The following is an entry in ClinVar:

NM_013450.4(BAZ2B):c.10G>A (p.Gly4Arg)

Gene: BAZ2B (bromodomain adjacent to zinc finger domain 2B; minus strand). Cytogenetic location: 2q24.2.
Variant type: single nucleotide variant.
Coding change: c.10G>A on transcript NM_013450.4 (MANE Select); coding-DNA position 10, G replaced by A.
Protein change: p.Gly4Arg; replaces glycine 4 with arginine.
Molecular consequence: missense variant.
Genome position (GRCh38, 1-based): chr2:159,478,710, C>T on the plus strand (G>A on the coding strand, the complement: BAZ2B is on the minus strand). VCF-style: chr2-159478710-C-T. GRCh37 (hg19) VCF-style: chr2-160335221-C-T.
Other names: c.10G>A, p.Gly4Arg (NM_001289975.1, NM_001329857.2, NM_001329858.2); short protein forms G4R.
Identifiers: ClinVar variation 4537536 (VCV004537536.1).

ClinVar aggregate classification (germline): Uncertain significance (1 of 4 stars; one submission).

gnomAD v4.1: 3 of 1,584,696 alleles (0.00019%); highest among the groups gnomAD compares: African/African-American, 0.0027%; no homozygotes.

Submission:

GeneDx
Classification: Uncertain significance. Last evaluated: 2025-06-12. Review status: criteria provided, single submitter. Criteria: GeneDx Variant Classification Process June 2021. Collection method: clinical testing. Allele origin: germline. Affected: yes.
Comment: Not observed at significant frequency in large population cohorts (gnomAD); In silico analysis supports that this missense variant has a deleterious effect on protein structure/function; Has not been previously published as pathogenic or benign to our knowledge